The following is an entry in ClinVar:

NM_002382.5(MAX):c.357C>T (p.Asp119=)

Gene: MAX (MYC associated transcriptional regulator X; minus strand). Cytogenetic location: 14q23.3.
Variant type: single nucleotide variant.
Coding change: c.357C>T on transcript NM_002382.5 (MANE Select); coding-DNA position 357, C replaced by T.
Protein change: p.Asp119=; no amino-acid change (aspartic acid 119 retained).
Molecular consequence: synonymous variant. On other transcripts: 3 prime UTR variant (12), non-coding transcript variant (7), intron variant (2).
Genome position (GRCh38, 1-based): chr14:65,076,602, G>A on the plus strand (C>T on the coding strand, the complement: MAX is on the minus strand). VCF-style: chr14-65076602-G-A. GRCh37 (hg19) VCF-style: chr14-65543320-G-A.
Other names: c.168C>T, p.Asp56= (NM_001320415.2, NM_001407105.1, NM_001407106.1 and 1 more transcripts); c.357C>T, p.Asp119= (NM_001407094.1); c.330C>T, p.Asp110= (NM_001407095.1, NM_145112.3); c.*130C>T (NM_001407096.1, NM_001407099.1, NM_001407102.1 and 2 more transcripts); c.*146C>T (NM_001407097.1, NM_001407100.1, NM_001407101.1 and 4 more transcripts); c.249C>T, p.Asp83= (NM_001407098.1); c.156C>T, p.Asp52= (NM_001407111.1, NM_001407112.1); c.144+17106C>T (NM_001271069.2); and 1 more.
Identifiers: ClinVar variation 4875922 (VCV004875922.1).

ClinVar aggregate classification (germline): Benign (1 of 4 stars; one submission).

Conditions:
Pheochromocytoma. Also called: MAX-Related Hereditary Paraganglioma-Pheochromocytoma Syndrome. Identifiers: Orphanet 29072, MedGen C0031511, MONDO:0008233, OMIM 171300, HP:0002666.

Submission:

Myriad Genetics, Inc.
Classification: Benign for Pheochromocytoma. Last evaluated: 2026-06-08. Review status: criteria provided, single submitter. Criteria: Myriad Autosomal Dominant, Autosomal Recessive and X-Linked Classification Criteria (2023). Collection method: clinical testing. Allele origin: unknown.
Comment: This variant is considered benign. This variant is a silent/synonymous amino acid change and it is not expected to impact splicing.